The following is an entry in ClinVar:

ClinVar aggregate classification (germline): Benign/Likely benign. Review status: criteria provided, multiple submitters, no conflicts (2 of 4 stars). 11 submissions from 11 submitters: Benign (2); Likely benign (7). 2 of the submissions do not count toward it. Last evaluated 2026-01-25.

Conditions:
Hereditary nonpolyposis colorectal neoplasms. Identifiers: MedGen C0009405, MeSH D003123.
Hereditary cancer-predisposing syndrome. Also called: Tumor predisposition; Neoplastic Syndromes, Hereditary; Hereditary neoplastic syndrome; Hereditary Cancer Syndrome. Identifiers: Orphanet 140162, MedGen C0027672, MeSH D009386, MONDO:0015356.
Lynch syndrome. Identifiers: Orphanet 144, MedGen C4552100, MONDO:0005835. Disease mechanism: loss of function.
Carcinoma of colon (CRC). Also called: Colonic carcinoma; Colon carcinoma. Identifiers: MedGen C0699790, MONDO:0002032.
Lynch syndrome 5 (LYNCH5). Also called: Colorectal cancer, hereditary nonpolyposis, type 5; Hereditary non-polyposis colorectal cancer, type 5. Identifiers: Orphanet 144, MedGen C1833477, MONDO:0013710, OMIM 614350. Disease mechanism: loss of function.

Allele frequency attached by ClinVar (database versions not stated): gnomAD 0.00001 and 0.00003; TOPMed 0.00002; 1000 Genomes Project 0.00040; 1000 Genomes Project 30x 0.00047.
gnomAD v4.1: 81 of 1,613,796 alleles (0.005%); highest among the groups gnomAD compares: South Asian, 0.053%; 1 homozygote.

Submissions (11):

Labcorp Genetics (formerly Invitae), Labcorp
Classification: Likely benign for Hereditary nonpolyposis colorectal neoplasms. Last evaluated: 2026-01-25. Review status: criteria provided, single submitter. Criteria: Invitae Variant Classification Sherloc (09022015). Collection method: clinical testing. Allele origin: germline.

Quest Diagnostics Nichols Institute San Juan Capistrano
Classification: Benign. Last evaluated: 2025-04-03. Review status: criteria provided, single submitter. Criteria: Quest Diagnostics criteria. Collection method: clinical testing. Allele origin: unknown.

All of Us Research Program, National Institutes of Health
Classification: Likely benign for Lynch syndrome. Last evaluated: 2024-04-16. Review status: criteria provided, single submitter. Criteria: ACMG Guidelines, 2015. Collection method: clinical testing. Allele origin: germline. Inheritance: Autosomal dominant inheritance. Observed: 3 variant alleles, 3 heterozygotes.
Comment: This study involves interpretation of variants in research participants for the purpose of population health screening. Participant phenotype was not available at the time of variant classification. Additional details can be found in publication PMID: 35346344, PMCID: PMC8962531

Blueprint Genetics
Classification: Likely benign. Last evaluated: 2023-11-03. Review status: criteria provided, single submitter. Criteria: ACMG Guidelines, 2015. Collection method: clinical testing. Allele origin: germline.

Myriad Genetics, Inc.
Classification: Benign for Lynch syndrome 5. Last evaluated: 2023-03-28. Review status: criteria provided, single submitter. Criteria: Myriad Autosomal Dominant, Autosomal Recessive and X-Linked Classification Criteria (2023). Collection method: clinical testing. Allele origin: unknown.
Comment: This variant is considered benign. This variant is a silent/synonymous amino acid change and it is not expected to impact splicing.

Sema4
Classification: Likely benign for Hereditary cancer-predisposing syndrome. Last evaluated: 2021-10-05. Review status: criteria provided, single submitter. Criteria: Sema4 Curation Guidelines. Collection method: curation. Allele origin: germline.

GeneDx
Classification: Likely benign. Last evaluated: 2020-03-06. Review status: criteria provided, single submitter. Criteria: GeneDx Variant Classification Process June 2021. Collection method: clinical testing. Allele origin: germline. Affected: yes.

Color Diagnostics, LLC DBA Color Health
Classification: Likely benign for Hereditary cancer-predisposing syndrome. Last evaluated: 2016-08-19. Review status: criteria provided, single submitter. Criteria: ACMG Guidelines, 2015. Collection method: clinical testing. Allele origin: germline.

Ambry Genetics
Classification: Likely benign for Hereditary cancer-predisposing syndrome. Last evaluated: 2014-12-12. Review status: criteria provided, single submitter. Criteria: Ambry Variant Classification Scheme 2023. Collection method: clinical testing. Allele origin: germline.

Counsyl
Classification: Likely benign for Lynch syndrome 5. Last evaluated: 2016-03-11. Review status: no assertion criteria provided. Collection method: clinical testing. Allele origin: unknown. Not counted in ClinVar's aggregate classification.

Department of Pathology and Laboratory Medicine, Sinai Health System
Classification: Likely benign for Carcinoma of colon. Review status: no assertion criteria provided. Collection method: clinical testing. Allele origin: unknown. Affected: yes. Observed: 1 variant allele. Study: The Canadian Open Genetics Repository (COGR). Not counted in ClinVar's aggregate classification.
Comment: The MSH6, p.Thr1085Thr variant was identified only in dbSNP (ID: rs371568610) with a minor allele frequency of 0.0004 (1000 Genomes Project). It was not identified in NHLBI Exome Sequencing Project (Exome Variant Server), Exome Aggregation Consortium (ExAC) database, HGMD, COSMIC, MutDB, â€šÃ„ÃºMismatch Repair Genes Variant Databaseâ€šÃ„Ã¹, â€šÃ„ÃºMMR Gene Unclassified Variants Databaseâ€šÃ„Ã¹, InSiGHT Colon Cancer Gene Variant Database, â€šÃ„ÃºZhejiang Colon Cancer Databaseâ€šÃ„Ã¹, the ClinVar database, GeneInsight VariantWire database and UMD. The p.Thr1085Thr variant is not expected to have clinical significance because it does not result in a change of amino acid and is not located in a known consensus splice site. In addition, in silico or computational prediction software programs (SpliceSiteFinder, MaxEntScan, NNSPLICE, GeneSplicer, HumanSpliceFinder) do not predict a difference in splicing. In summary, based on the above information, the clinical significance of this variant cannot be determined with certainty at this time although we would lean towards a more benign role for this variant. This variant is classified as predicted benign.

Literature cited by the submitters: PubMed 38509102 (cited by Quest Diagnostics Nichols Institute San Juan Capistrano).

NM_000179.3(MSH6):c.3255C>G (p.Thr1085=)

Gene: MSH6 (mutS homolog 6; plus strand). Cytogenetic location: 2p16.3.
Variant type: single nucleotide variant.
Coding change: c.3255C>G on transcript NM_000179.3 (MANE Select); coding-DNA position 3255, C replaced by G.
Protein change: p.Thr1085=; no amino-acid change (threonine 1085 retained).
Molecular consequence: synonymous variant.
Genome position (GRCh38, 1-based): chr2:47,803,502, C>G. VCF-style: chr2-47803502-C-G. GRCh37 (hg19) VCF-style: chr2-48030641-C-G.
Other names: c.2865C>G, p.Thr955= (NM_001281492.2); c.2349C>G, p.Thr783= (NM_001281493.2, NM_001281494.2).
Identifiers: ClinVar variation 187568 (VCV000187568.29), dbSNP rs371568610, ClinGen allele CA012187.